The following is an entry in ClinVar:

ClinVar aggregate classification (germline): Uncertain significance (1 of 4 stars; one submission).

Conditions:
Cardiovascular phenotype. Identifiers: MedGen CN230736.

gnomAD v4.1: 4 of 1,548,310 alleles (0.00026%); highest among the groups gnomAD compares: African/African-American, 0.0055%; no homozygotes.

Submission:

Ambry Genetics
Classification: Uncertain significance for Cardiovascular phenotype. Last evaluated: 2024-05-22. Review status: criteria provided, single submitter. Criteria: Ambry Variant Classification Scheme 2023. Collection method: clinical testing. Allele origin: germline.
Comment: The p.A1596P variant (also known as c.4786G>C), located in coding exon 2 of the ZNF469 gene, results from a G to C substitution at nucleotide position 4786. The alanine at codon 1596 is replaced by proline, an amino acid with highly similar properties. This amino acid position is conserved. In addition, this alteration is predicted to be tolerated by in silico analysis. Based on the available evidence, the clinical significance of this variant remains unclear.

NM_001367624.2(ZNF469):c.4870G>C (p.Ala1624Pro)

Gene: ZNF469 (zinc finger protein 469; plus strand). Cytogenetic location: 16q24.2.
Variant type: single nucleotide variant.
Coding change: c.4870G>C on transcript NM_001367624.2 (MANE Select); coding-DNA position 4870, G replaced by C.
Protein change: p.Ala1624Pro; replaces alanine 1624 with proline.
Molecular consequence: missense variant.
Genome position (GRCh38, 1-based): chr16:88,432,340, G>C. VCF-style: chr16-88432340-G-C. GRCh37 (hg19) VCF-style: chr16-88498748-G-C.
Other names: NM_001127464.1:c.4786G>C; short protein forms A1624P.
Identifiers: ClinVar variation 3258268 (VCV003258268.1).
Genomic context (GRCh38, chr16:88,432,340, plus strand): 5'-GAGCCACCCTCCCAACGGCGCACCTGCCAGGCCACCGTGCCCCACGAGGACACGTTCTCG[G>C]CAGCTGACCTCACGCGCGTTGGAGAATCCACTGCACATCGGGAGGGTGCGGAATCGGCTG-3'
Protein context (NP_001354553.1, residues 1614-1634): ATVPHEDTFS[Ala1624Pro]ADLTRVGEST